The following is an entry in ClinVar:

ClinVar aggregate classification (germline): Uncertain significance (1 of 4 stars; one submission).

Conditions:
Predisposition to invasive fungal disease due to CARD9 deficiency (IMD103). Also called: CARD9 IMMUNODEFICIENCY; IMMUNODEFICIENCY 103, SUSCEPTIBILITY TO FUNGAL INFECTIONS; Candidiasis, familial, 2, autosomal recessive. Identifiers: Orphanet 457088, MedGen C1859353, MONDO:0008905, OMIM 212050.

Allele frequency attached by ClinVar (database versions not stated): gnomAD 0.00001; gnomAD exomes 0.00001; TOPMed 0.00001; ExAC 0.00002.
gnomAD v4.1: 7 of 1,611,848 alleles (0.00043%); highest among the groups gnomAD compares: Admixed American, 0.0067%; no homozygotes.

Submission:

Labcorp Genetics (formerly Invitae), Labcorp
Classification: Uncertain significance for Predisposition to invasive fungal disease due to CARD9 deficiency. Last evaluated: 2021-12-20. Review status: criteria provided, single submitter. Criteria: Invitae Variant Classification Sherloc (09022015). Collection method: clinical testing. Allele origin: germline.
Comment: In summary, the available evidence is currently insufficient to determine the role of this variant in disease. Therefore, it has been classified as a Variant of Uncertain Significance. Algorithms developed to predict the effect of missense changes on protein structure and function are either unavailable or do not agree on the potential impact of this missense change (SIFT: "Tolerated"; PolyPhen-2: "Possibly Damaging"; Align-GVGD: "Class C0"). This variant has not been reported in the literature in individuals affected with CARD9-related conditions. This variant is present in population databases (rs760135155, gnomAD 0.009%). This sequence change replaces aspartic acid, which is acidic and polar, with asparagine, which is neutral and polar, at codon 151 of the CARD9 protein (p.Asp151Asn).

NM_052813.5(CARD9):c.451G>A (p.Asp151Asn)

Gene: CARD9 (caspase recruitment domain family member 9; minus strand). Cytogenetic location: 9q34.3.
Variant type: single nucleotide variant.
Coding change: c.451G>A on transcript NM_052813.5 (MANE Select); coding-DNA position 451, G replaced by A.
Protein change: p.Asp151Asn; replaces aspartic acid 151 with asparagine.
Molecular consequence: missense variant.
Genome position (GRCh38, 1-based): chr9:136,371,017, C>T on the plus strand (G>A on the coding strand, the complement: CARD9 is on the minus strand). VCF-style: chr9-136371017-C-T. GRCh37 (hg19) VCF-style: chr9-139265469-C-T.
Other names: c.451G>A, p.Asp151Asn (NM_052814.4); short protein forms D151N.
Identifiers: ClinVar variation 2040100 (VCV002040100.4), dbSNP rs760135155, ClinGen allele CA5333130.